The following is an entry in ClinVar:

NM_006031.6(PCNT):c.1018G>A (p.Ala340Thr)

Gene: PCNT (pericentrin; plus strand). Cytogenetic location: 21q22.3.
Variant type: single nucleotide variant.
Coding change: c.1018G>A on transcript NM_006031.6 (MANE Select); coding-DNA position 1018, G replaced by A.
Protein change: p.Ala340Thr; replaces alanine 340 with threonine.
Molecular consequence: missense variant.
Genome position (GRCh38, 1-based): chr21:46,347,498, G>A. VCF-style: chr21-46347498-G-A. GRCh37 (hg19) VCF-style: chr21-47767412-G-A.
Other names: c.664G>A, p.Ala222Thr (NM_001315529.2); c.1018G>A (NM_006031.5); short protein forms A340T, A222T.
Identifiers: ClinVar variation 1368726 (VCV001368726.4), dbSNP rs775338231, ClinGen allele CA10078477.

ClinVar aggregate classification (germline): Uncertain significance. Review status: criteria provided, multiple submitters, no conflicts (2 of 4 stars). 2 submissions from 2 submitters: Uncertain significance (2). Last evaluated 2026-03-10.

Conditions:
PCNT-related disorder. Also called: PCNT-related condition.

Allele frequency attached by ClinVar (database versions not stated): ExAC 0.00004; gnomAD 0.00002; gnomAD exomes 0.00002; TOPMed 0.00002.
gnomAD v4.1: 13 of 1,613,932 alleles (0.00081%); highest among the groups gnomAD compares: Admixed American, 0.005%; no homozygotes.

Submissions (2):

PreventionGenetics, part of Exact Sciences
Classification: Uncertain significance for PCNT-related condition. Last evaluated: 2026-03-10. Review status: criteria provided, single submitter. Criteria: ACMG Guidelines, 2015. Collection method: clinical testing. Allele origin: germline.
Comment: The PCNT c.1018G>A variant is predicted to result in the amino acid substitution p.Ala340Thr. To our knowledge, this variant has not been reported in the literature. This variant is reported in 0.012% of alleles in individuals of African descent in gnomAD. At this time, the clinical significance of this variant is uncertain due to the absence of conclusive functional and genetic evidence.

Labcorp Genetics (formerly Invitae), Labcorp
Classification: Uncertain significance. Last evaluated: 2021-07-28. Review status: criteria provided, single submitter. Criteria: Invitae Variant Classification Sherloc (09022015). Collection method: clinical testing. Allele origin: germline.
Comment: This sequence change replaces alanine with threonine at codon 340 of the PCNT protein (p.Ala340Thr). The alanine residue is weakly conserved and there is a small physicochemical difference between alanine and threonine. This variant is present in population databases (rs775338231, ExAC 0.02%). This variant has not been reported in the literature in individuals affected with PCNT-related conditions. Algorithms developed to predict the effect of missense changes on protein structure and function are either unavailable or do not agree on the potential impact of this missense change (SIFT: "Tolerated"; PolyPhen-2: "Possibly Damaging"; Align-GVGD: "Class C0"). In summary, the available evidence is currently insufficient to determine the role of this variant in disease. Therefore, it has been classified as a Variant of Uncertain Significance.